The following is an entry in ClinVar:

NM_000092.5(COL4A4):c.2435_2436del (p.Glu812fs)

Gene: COL4A4 (collagen type IV alpha 4 chain; minus strand). Cytogenetic location: 2q36.3.
Variant type: Microsatellite.
Coding change: c.2435_2436del on transcript NM_000092.5 (MANE Select); coding-DNA positions 2435 to 2436, 2 bases deleted (AG; older notation c.2435_2436delAG).
Protein change: p.Glu812fs; shifts the reading frame from glutamic acid 812.
Molecular consequence: frameshift variant.
Genome position (GRCh38, 1-based): chr2:227,057,548-227,057,549, CT deleted on the plus strand (AG on the coding strand, the reverse complement: COL4A4 is on the minus strand); deleting any 2 consecutive bases within chr2:227,057,548-227,057,553 gives the same sequence; the c. name uses the placement nearest the transcript's 3' end. VCF-style (leftmost placement, unchanged base first): chr2-227057547-CCT-C. GRCh37 (hg19) VCF-style: chr2-227922263-CCT-C.
Other names: short protein forms E812fs.
Identifiers: ClinVar variation 1695007 (VCV001695007.32), dbSNP rs1448532668, ClinGen allele CA539875983.

ClinVar aggregate classification (germline): Pathogenic. Review status: criteria provided, multiple submitters, no conflicts (2 of 4 stars). 2 submissions from 2 submitters: Pathogenic (2). Last evaluated 2026-04-07.

Conditions:
Hematuria, benign familial, 1 (BFH1). Also called: THIN MEMBRANE NEPHROPATHY. Identifiers: MedGen CN376803, MONDO:0007709, OMIM 141200.

Submissions (2):

Institute of Medical Genetics and Applied Genomics, University Hospital Tübingen
Classification: Pathogenic for Hematuria, benign familial, 1. Last evaluated: 2026-04-07. Review status: criteria provided, single submitter. Criteria: ACMG Guidelines, 2015. Collection method: clinical testing. Allele origin: germline. Inheritance: Autosomal dominant inheritance. Affected: yes.

CeGaT Center for Human Genetics Tuebingen
Classification: Pathogenic. Last evaluated: 2022-06-01. Review status: criteria provided, single submitter. Criteria: CeGaT Center For Human Genetics Tuebingen Variant Classification Criteria Version 2. Collection method: clinical testing. Allele origin: germline. Affected: yes. Observed: 1 variant allele.
Comment: COL4A4: PVS1, PM2